The following is an entry in ClinVar:

NM_001039141.3(TRIOBP):c.4116G>T (p.Glu1372Asp)

Gene: TRIOBP (TRIO and F-actin binding protein; plus strand). Cytogenetic location: 22q13.1.
Variant type: single nucleotide variant.
Coding change: c.4116G>T on transcript NM_001039141.3 (MANE Select); coding-DNA position 4116, G replaced by T.
Protein change: p.Glu1372Asp; replaces glutamic acid 1372 with aspartic acid.
Molecular consequence: missense variant.
Genome position (GRCh38, 1-based): chr22:37,734,452, G>T. VCF-style: chr22-37734452-G-T. GRCh37 (hg19) VCF-style: chr22-38130459-G-T.
Other names: short protein forms E1372D.
Identifiers: ClinVar variation 43854 (VCV000043854.20), dbSNP rs8140207, ClinGen allele CA133032.

ClinVar aggregate classification (germline): Benign. Review status: criteria provided, multiple submitters, no conflicts (2 of 4 stars). 8 submissions from 8 submitters: Benign (6). 2 of the submissions do not count toward it. Last evaluated 2026-02-03.

Allele frequency attached by ClinVar (database versions not stated): gnomAD 0.23344 and 0.24202; 1000 Genomes Project 30x 0.25718; 1000 Genomes Project 0.26398; ESP Exome Variant Server 0.22523; TOPMed 0.23092; ExAC 0.30803; gnomAD exomes 0.30856.
gnomAD v4.1: 470,536 of 1,612,404 alleles (29%); highest among the groups gnomAD compares: South Asian, 40%; 72,369 homozygotes.

Submissions (8):

Labcorp Genetics (formerly Invitae), Labcorp
Classification: Benign. Last evaluated: 2026-02-03. Review status: criteria provided, single submitter. Criteria: Invitae Variant Classification Sherloc (09022015). Collection method: clinical testing. Allele origin: germline.

Mayo Clinic Laboratories, Mayo Clinic
Classification: Benign. Last evaluated: 2020-10-20. Review status: criteria provided, single submitter. Criteria: ACMG Guidelines, 2015. Collection method: clinical testing. Allele origin: germline. Observed: 89 variant alleles.

GeneDx
Classification: Benign. Last evaluated: 2017-05-09. Review status: criteria provided, single submitter. Criteria: GeneDx Variant Classification (06012015). Collection method: clinical testing. Allele origin: germline. Affected: yes.
Comment: This variant is considered likely benign or benign based on one or more of the following criteria: it is a conservative change, it occurs at a poorly conserved position in the protein, it is predicted to be benign by multiple in silico algorithms, and/or has population frequency not consistent with disease.

Laboratory for Molecular Medicine, Mass General Brigham Personalized Medicine
Classification: Benign. Last evaluated: 2012-05-07. Review status: criteria provided, single submitter. Criteria: LMM Criteria. Collection method: clinical testing. Allele origin: germline. Observed: 760 variant alleles.
Comment: Glu1372Asp in Exon 09 of TRIOBP: This variant is not expected to have clinical s ignificance because it has been identified in 29.3% (1955/6668) of European Amer ican chromosomes from a broad population by the NHLBI Exome Sequencing Project (dbSNP rs8140207).

Breakthrough Genomics
Classification: Benign. Review status: criteria provided, single submitter. Criteria: ACMG Guidelines, 2015. Collection method: not provided. Allele origin: germline. Inheritance: Autosomal recessive inheritance. Affected: yes.

PreventionGenetics, part of Exact Sciences
Classification: Benign. Review status: criteria provided, single submitter. Criteria: ACMG Guidelines, 2015. Collection method: clinical testing. Allele origin: germline.

Diagnostic Laboratory, Department of Genetics, University Medical Center Groningen
Classification: Benign. Review status: no assertion criteria provided. Collection method: clinical testing. Allele origin: germline. Affected: yes. Study: VKGL Data-share Consensus. Not counted in ClinVar's aggregate classification.

Joint Genome Diagnostic Labs from Nijmegen and Maastricht, Radboudumc and MUMC+
Classification: Benign. Review status: no assertion criteria provided. Collection method: clinical testing. Allele origin: germline. Affected: yes. Study: VKGL Data-share Consensus. Not counted in ClinVar's aggregate classification.